The following is an entry in ClinVar:

ClinVar aggregate classification (germline): Conflicting classifications of pathogenicity. Review status: criteria provided, conflicting classifications (1 of 4 stars). 3 submissions from 3 submitters: Uncertain significance (2); Likely benign (1). Last evaluated 2025-09-24.

Conditions:
Hereditary cancer-predisposing syndrome. Also called: Tumor predisposition; Hereditary neoplastic syndrome; Neoplastic Syndromes, Hereditary; Hereditary Cancer Syndrome. Identifiers: Orphanet 140162, MedGen C0027672, MeSH D009386, MONDO:0015356.
Hereditary breast ovarian cancer syndrome. Also called: Hereditary breast and ovarian cancer syndrome (HBOC); Breast and ovarian cancer; BRCA1- and BRCA2-Associated Hereditary Breast and Ovarian Cancer; Hereditary breast and/or ovarian cancer syndrome; Hereditary breast and ovarian cancer syndrome; Hereditary breast and ovarian cancer. Identifiers: Orphanet 145, MedGen C0677776, MeSH D061325, MONDO:0003582. Disease mechanism: loss of function.

Submissions (3):

Labcorp Genetics (formerly Invitae), Labcorp
Classification: Uncertain significance for Hereditary breast ovarian cancer syndrome. Last evaluated: 2025-09-24. Review status: criteria provided, single submitter. Criteria: Invitae Variant Classification Sherloc (09022015). Collection method: clinical testing. Allele origin: germline.
Comment: This sequence change replaces methionine, which is neutral and non-polar, with isoleucine, which is neutral and non-polar, at codon 408 of the BRCA2 protein (p.Met408Ile). This variant is not present in population databases (gnomAD no frequency). This variant has not been reported in the literature in individuals affected with BRCA2-related conditions. ClinVar contains an entry for this variant (Variation ID: 818639). Invitae Evidence Modeling of protein sequence and biophysical properties (such as structural, functional, and spatial information, amino acid conservation, physicochemical variation, residue mobility, and thermodynamic stability) indicates that this missense variant is not expected to disrupt BRCA2 protein function with a negative predictive value of 95%. In summary, the available evidence is currently insufficient to determine the role of this variant in disease. Therefore, it has been classified as a Variant of Uncertain Significance.

University of Washington Department of Laboratory Medicine, University of Washington
Classification: Likely benign for Hereditary cancer-predisposing syndrome. Last evaluated: 2023-03-23. Review status: criteria provided, single submitter. Criteria: Dines et al. (Genet Med. 2020). Collection method: curation. Allele origin: germline.
Comment: Missense variant in a coldspot region where missense variants are very unlikely to be pathogenic (PMID:31911673).

BRCA2 exon 10 coldspot. Reclassification based on statistical prior probability.

Ambry Genetics
Classification: Uncertain significance for Hereditary cancer-predisposing syndrome. Last evaluated: 2019-02-05. Review status: criteria provided, single submitter. Criteria: Ambry Variant Classification Scheme 2023. Collection method: clinical testing. Allele origin: germline.
Comment: The p.M408I variant (also known as c.1224G>C), located in coding exon 9 of the BRCA2 gene, results from a G to C substitution at nucleotide position 1224. The methionine at codon 408 is replaced by isoleucine, an amino acid with highly similar properties. This amino acid position is not well conserved in available vertebrate species. In addition, this alteration is predicted to be tolerated by in silico analysis. Since supporting evidence is limited at this time, the clinical significance of this alteration remains unclear.

NM_000059.4(BRCA2):c.1224G>C (p.Met408Ile)

Gene: BRCA2 (BRCA2 DNA repair associated; plus strand). Cytogenetic location: 13q13.1.
Variant type: single nucleotide variant.
Coding change: c.1224G>C on transcript NM_000059.4 (MANE Select); coding-DNA position 1224, G replaced by C.
Protein change: p.Met408Ile; replaces methionine 408 with isoleucine.
Molecular consequence: missense variant.
Genome position (GRCh38, 1-based): chr13:32,332,702, G>C. VCF-style: chr13-32332702-G-C. GRCh37 (hg19) VCF-style: chr13-32906839-G-C.
Other names: short protein forms M408I.
Identifiers: ClinVar variation 818639 (VCV000818639.7), dbSNP rs1593892275, ClinGen allele CA387762141.